The following is an entry in ClinVar:

NM_003640.5(ELP1):c.3478G>A (p.Gly1160Arg)

Gene: ELP1 (elongator acetyltransferase complex subunit 1; minus strand). Cytogenetic location: 9q31.3.
Variant type: single nucleotide variant.
Coding change: c.3478G>A on transcript NM_003640.5 (MANE Select); coding-DNA position 3478, G replaced by A.
Protein change: p.Gly1160Arg; replaces glycine 1160 with arginine.
Molecular consequence: missense variant.
Genome position (GRCh38, 1-based): chr9:108,879,540, C>T on the plus strand (G>A on the coding strand, the complement: ELP1 is on the minus strand). VCF-style: chr9-108879540-C-T. GRCh37 (hg19) VCF-style: chr9-111641820-C-T.
Other names: c.3478G>A (LRG_251t1); c.3136G>A, p.Gly1046Arg (NM_001318360.2); c.2431G>A, p.Gly811Arg (NM_001330749.2); short protein forms G1160R, G1046R, G811R.
Identifiers: ClinVar variation 652169 (VCV000652169.8), dbSNP rs1032686725, ClinGen allele CA197520413.

ClinVar aggregate classification (germline): Uncertain significance. Review status: criteria provided, multiple submitters, no conflicts (2 of 4 stars). 3 submissions from 3 submitters: Uncertain significance (2). 1 of the submissions does not count toward it. Last evaluated 2022-09-14.

Conditions:
Familial dysautonomia. Also called: HSAN III; FD. Identifiers: Orphanet 1764, MedGen C0013364, MONDO:0009131, OMIM 223900. Disease mechanism: loss of function.

Allele frequency attached by ClinVar (database versions not stated): gnomAD 0.00001; gnomAD exomes 0.00001.
gnomAD v4.1: 16 of 1,613,576 alleles (0.00099%); highest among the groups gnomAD compares: Middle Eastern, 0.016%; no homozygotes.

Submissions (3):

Ambry Genetics
Classification: Uncertain significance. Last evaluated: 2022-09-14. Review status: criteria provided, single submitter. Criteria: Ambry Variant Classification Scheme 2023. Collection method: clinical testing. Allele origin: germline.

Labcorp Genetics (formerly Invitae), Labcorp
Classification: Uncertain significance. Last evaluated: 2021-08-28. Review status: criteria provided, single submitter. Criteria: Invitae Variant Classification Sherloc (09022015). Collection method: clinical testing. Allele origin: germline.
Comment: This sequence change replaces glycine with arginine at codon 1160 of the ELP1 protein (p.Gly1160Arg). The glycine residue is weakly conserved and there is a moderate physicochemical difference between glycine and arginine. This variant is not present in population databases (ExAC no frequency). This variant has not been reported in the literature in individuals affected with ELP1-related conditions. Algorithms developed to predict the effect of missense changes on protein structure and function output the following: SIFT: "Tolerated"; PolyPhen-2: "Benign"; Align-GVGD: "Class C0". The arginine amino acid residue is found in multiple mammalian species, which suggests that this missense change does not adversely affect protein function. Algorithms developed to predict the effect of sequence changes on RNA splicing suggest that this variant may create or strengthen a splice site. In summary, the available evidence is currently insufficient to determine the role of this variant in disease. Therefore, it has been classified as a Variant of Uncertain Significance.

Natera, Inc.
Classification: Uncertain significance for Hereditary sensory and autonomic neuropathy type III. Last evaluated: 2020-01-17. Review status: no assertion criteria provided. Collection method: clinical testing. Allele origin: germline. Not counted in ClinVar's aggregate classification.